The following is an entry in ClinVar:

NM_001365536.1(SCN9A):c.2422T>C (p.Trp808Arg)

Genes: SCN1A-AS1 (SCN1A and SCN9A antisense RNA 1; plus strand), SCN9A (sodium voltage-gated channel alpha subunit 9; minus strand). Cytogenetic location: 2q24.3.
Variant type: single nucleotide variant.
Coding change: c.2422T>C on transcript NM_001365536.1 (MANE Select); coding-DNA position 2422, T replaced by C.
Protein change: p.Trp808Arg; replaces tryptophan 808 with arginine.
Molecular consequence: missense variant.
Genome position (GRCh38, 1-based): chr2:166,278,235, A>G on the plus strand (T>C on the coding strand, the complement: SCN9A is on the minus strand). VCF-style: chr2-166278235-A-G. GRCh37 (hg19) VCF-style: chr2-167134745-A-G.
Other names: c.2389T>C, p.Trp797Arg (NM_002977.4); short protein forms W797R, W808R.
Identifiers: ClinVar variation 499529 (VCV000499529.21), dbSNP rs147639592, ClinGen allele CA1944278.

ClinVar aggregate classification (germline): Conflicting classifications of pathogenicity. Review status: criteria provided, conflicting classifications (1 of 4 stars). 5 submissions from 5 submitters: Uncertain significance (2); Benign (1); Likely benign (2). Last evaluated 2026-07-29.

Conditions:
SCN9A-related disorder. Also called: SCN9A-related condition; SCN9A-related disorders.
Generalized epilepsy with febrile seizures plus, type 7 (GEFSP7). Also called: GEFS+, TYPE 7. Identifiers: Orphanet 36387, MedGen C2751778, MONDO:0013470, OMIM 613863.
Neuropathy, hereditary sensory and autonomic, type 2A (HSAN2A). Also called: WNK1-Related HSAN2 (HSAN2A); ACROOSTEOLYSIS, GIACCAI TYPE; ACROOSTEOLYSIS, NEUROGENIC; NEUROPATHY, HEREDITARY SENSORY, TYPE IIA; NEUROPATHY, PROGRESSIVE SENSORY, OF CHILDREN; MORVAN DISEASE. Identifiers: Orphanet 970, MedGen C2752089, MONDO:0024309, OMIM 201300.

Allele frequency attached by ClinVar (database versions not stated): gnomAD exomes 0.00004 and 0.00011; ExAC 0.00018; gnomAD 0.00045 and 0.00046; TOPMed 0.00045; ESP Exome Variant Server 0.00050; 1000 Genomes Project 0.00100; 1000 Genomes Project 30x 0.00109.
gnomAD v4.1: 125 of 1,612,956 alleles (0.0077%); highest among the groups gnomAD compares: African/African-American, 0.16%; no homozygotes.

Submissions (5):

PreventionGenetics, part of Exact Sciences
Classification: Likely benign for SCN9A-related condition. Last evaluated: 2026-07-29. Review status: criteria provided, single submitter. Criteria: ACMG Guidelines, 2015. Collection method: clinical testing. Allele origin: germline.
Comment: This variant is classified as likely benign based on ACMG/AMP sequence variant interpretation guidelines (Richards et al. 2015 PMID: 25741868, with internal and published modifications).

Labcorp Genetics (formerly Invitae), Labcorp
Classification: Benign for Neuropathy, hereditary sensory and autonomic, type 2A; Generalized epilepsy with febrile seizures plus, type 7. Last evaluated: 2026-01-21. Review status: criteria provided, single submitter. Criteria: Invitae Variant Classification Sherloc (09022015). Collection method: clinical testing. Allele origin: germline.

Women's Health and Genetics/Laboratory Corporation of America, LabCorp
Classification: Likely benign. Last evaluated: 2026-01-06. Review status: criteria provided, single submitter. Criteria: LabCorp Variant Classification Summary - May 2015. Collection method: clinical testing. Allele origin: germline.
Comment: Variant summary: SCN9A c.2389T>C (p.Trp797Arg) results in a non-conservative amino acid change in the encoded protein sequence. Algorithms developed to predict the effect of missense changes on protein structure and function all suggest that this variant is likely to be disruptive. The variant allele was found at a frequency of 0.00011 in 247806 control chromosomes, predominantly at a frequency of 0.0018 within the African or African-American subpopulation in the gnomAD database. The observed variant frequency within African or African-American control individuals in the gnomAD database exceeds the estimated maximal expected allele frequency for disease-causing variants in SCN9A. To our knowledge, no occurrence of c.2389T>C in individuals affected with SCN9A-related conditions and no experimental evidence demonstrating its impact on protein function have been reported. ClinVar contains an entry for this variant (Variation ID: 499529). Based on the evidence outlined above, the variant was classified as likely benign.

Mayo Clinic Laboratories, Mayo Clinic
Classification: Uncertain significance. Last evaluated: 2019-11-18. Review status: criteria provided, single submitter. Criteria: ACMG Guidelines, 2015. Collection method: clinical testing. Allele origin: germline. Observed: 1 variant allele.

Eurofins Ntd Llc (ga)
Classification: Uncertain significance. Last evaluated: 2017-01-17. Review status: criteria provided, single submitter. Criteria: EGL Classification Definitions 2015. Collection method: clinical testing. Allele origin: germline. Observed: 1 variant allele, 1 heterozygote.